The following is an entry in ClinVar:

ClinVar aggregate classification (germline): Uncertain significance (1 of 4 stars; one submission).

Submission:

Ambry Genetics
Classification: Uncertain significance. Last evaluated: 2025-03-30. Review status: criteria provided, single submitter. Criteria: Ambry Variant Classification Scheme 2023. Collection method: clinical testing. Allele origin: germline.
Comment: The p.T477I variant (also known as c.1430C>T), located in coding exon 8 of the ATRIP gene, results from a C to T substitution at nucleotide position 1430. The threonine at codon 477 is replaced by isoleucine, an amino acid with similar properties. This amino acid position is conserved. In addition, this alteration is predicted to be tolerated by in silico analysis. Based on the available evidence, the clinical significance of this variant remains unclear.

NM_130384.3(ATRIP):c.1430C>T (p.Thr477Ile)

Genes: ATRIP (ATR interacting protein; plus strand), ATRIP-TREX1 (ATRIP-TREX1 readthrough; plus strand). Cytogenetic location: 3p21.31.
Variant type: single nucleotide variant.
Coding change: c.1430C>T on transcript NM_130384.3 (MANE Select); coding-DNA position 1430, C replaced by T.
Protein change: p.Thr477Ile; replaces threonine 477 with isoleucine.
Molecular consequence: missense variant. On other transcripts: non-coding transcript variant (1).
Genome position (GRCh38, 1-based): chr3:48,460,484, C>T. VCF-style: chr3-48460484-C-T. GRCh37 (hg19) VCF-style: chr3-48501883-C-T.
Other names: c.1049C>T, p.Thr350Ile (NM_001271022.2); c.1151C>T, p.Thr384Ile (NM_001271023.2); c.1430C>T, p.Thr477Ile (NM_032166.4); short protein forms T384I, T350I, T477I.
Identifiers: ClinVar variation 3975818 (VCV003975818.1).